The following is an entry in ClinVar:

ClinVar aggregate classification (germline): Benign/Likely benign. Review status: criteria provided, multiple submitters, no conflicts (2 of 4 stars). 9 submissions from 9 submitters: Benign (7); Likely benign (2). Last evaluated 2026-01-22.

Conditions:
Cardiovascular phenotype. Identifiers: MedGen CN230736.
Cardiomyopathy (CMYO). Also called: Cardiomyopathies. Identifiers: Orphanet 167848, MedGen C0878544, MONDO:0004994, HP:0001638. Inheritance: Various modes of inheritance.
Hypertrophic cardiomyopathy. Also called: HYPERTROPHIC MYOCARDIOPATHY. Identifiers: Orphanet 217569, MedGen C0007194, MeSH D002312, MONDO:0005045, HP:0001639.

Allele frequency attached by ClinVar (database versions not stated): TOPMed 0.00006; ESP Exome Variant Server 0.00015; 1000 Genomes Project 30x 0.00094; 1000 Genomes Project 0.00120; gnomAD 0.00137.
gnomAD v4.1: 669 of 1,614,164 alleles (0.041%); highest among the groups gnomAD compares: East Asian, 0.0067%; no homozygotes.

Submissions (9):

Labcorp Genetics (formerly Invitae), Labcorp
Classification: Benign for Hypertrophic cardiomyopathy. Last evaluated: 2026-01-22. Review status: criteria provided, single submitter. Criteria: Invitae Variant Classification Sherloc (09022015). Collection method: clinical testing. Allele origin: germline.

Molecular Diagnostic Laboratory for Inherited Cardiovascular Disease, Montreal Heart Institute
Classification: Benign. Last evaluated: 2025-04-09. Review status: criteria provided, single submitter. Criteria: ACMG Guidelines, 2015. Collection method: clinical testing. Allele origin: germline. Affected: no.

Blueprint Genetics
Classification: Likely benign. Last evaluated: 2024-11-07. Review status: criteria provided, single submitter. Criteria: ACMG Guidelines, 2015. Collection method: clinical testing. Allele origin: germline.

All of Us Research Program, National Institutes of Health
Classification: Benign for Cardiomyopathy. Last evaluated: 2024-01-11. Review status: criteria provided, single submitter. Criteria: ACMG Guidelines, 2015. Collection method: clinical testing. Allele origin: germline. Inheritance: Autosomal dominant inheritance. Observed: 13 variant alleles, 13 heterozygotes.
Comment: This study involves interpretation of variants in research participants for the purpose of population health screening. Participant phenotype was not available at the time of variant classification. Additional details can be found in publication PMID: 35346344, PMCID: PMC8962531

Ambry Genetics
Classification: Benign for Cardiovascular phenotype. Last evaluated: 2020-03-27. Review status: criteria provided, single submitter. Criteria: Ambry Variant Classification Scheme 2023. Collection method: clinical testing. Allele origin: germline.

ARUP Laboratories, Molecular Genetics and Genomics, ARUP Laboratories
Classification: Benign. Last evaluated: 2019-04-12. Review status: criteria provided, single submitter. Criteria: ARUP Molecular Germline Variant Investigation Process. Collection method: clinical testing. Allele origin: germline.

Color Diagnostics, LLC DBA Color Health
Classification: Benign for Cardiomyopathy. Last evaluated: 2018-12-16. Review status: criteria provided, single submitter. Criteria: ACMG Guidelines, 2015. Collection method: clinical testing. Allele origin: germline.

GeneDx
Classification: Benign. Last evaluated: 2017-03-15. Review status: criteria provided, single submitter. Criteria: GeneDx Variant Classification (06012015). Collection method: clinical testing. Allele origin: germline. Affected: yes.
Comment: This variant is considered likely benign or benign based on one or more of the following criteria: it is a conservative change, it occurs at a poorly conserved position in the protein, it is predicted to be benign by multiple in silico algorithms, and/or has population frequency not consistent with disease.

Laboratory for Molecular Medicine, Mass General Brigham Personalized Medicine
Classification: Likely benign. Last evaluated: 2009-04-21. Review status: criteria provided, single submitter. Criteria: LMM Criteria. Collection method: clinical testing. Allele origin: germline. Observed: 1 variant allele.

Literature cited by the submitters: PubMed 9822100 (cited by Laboratory for Molecular Medicine, Mass General Brigham Personalized Medicine).

NM_000257.4(MYH7):c.2358G>A (p.Thr786=)

Genes: MYH7 (myosin heavy chain 7; minus strand), LOC126861898 (BRD4-independent group 4 enhancer GRCh37_chr14:23893609-23894808; plus strand). Cytogenetic location: 14q11.2.
Variant type: single nucleotide variant.
Coding change: c.2358G>A on transcript NM_000257.4 (MANE Select); coding-DNA position 2358, G replaced by A.
Protein change: p.Thr786=; no amino-acid change (threonine 786 retained).
Molecular consequence: synonymous variant.
Genome position (GRCh38, 1-based): chr14:23,425,347, C>T on the plus strand (G>A on the coding strand, the complement: MYH7 is on the minus strand). VCF-style: chr14-23425347-C-T. GRCh37 (hg19) VCF-style: chr14-23894556-C-T.
Identifiers: ClinVar variation 42898 (VCV000042898.29), dbSNP rs36211714, ClinGen allele CA012220.